The following is an entry in ClinVar:

ClinVar aggregate classification (germline): Uncertain significance. Review status: criteria provided, multiple submitters, no conflicts (2 of 4 stars). 2 submissions from 2 submitters: Uncertain significance (2). Last evaluated 2025-12-18.

Conditions:
Familial adenomatous polyposis 1 (FAP1). Also called: FAMILIAL ADENOMATOUS POLYPOSIS 1, ATTENUATED; POLYPOSIS, ADENOMATOUS INTESTINAL. Identifiers: MedGen C2713442, MONDO:0021056, OMIM 175100. Disease mechanism: loss of function.
Hereditary cancer-predisposing syndrome. Also called: Neoplastic Syndromes, Hereditary; Tumor predisposition; Hereditary Cancer Syndrome; Hereditary neoplastic syndrome. Identifiers: Orphanet 140162, MedGen C0027672, MeSH D009386, MONDO:0015356.

Submissions (2):

Ambry Genetics
Classification: Uncertain significance for Hereditary cancer-predisposing syndrome. Last evaluated: 2025-12-18. Review status: criteria provided, single submitter. Criteria: Ambry Variant Classification Scheme 2023. Collection method: clinical testing. Allele origin: germline.
Comment: The p.L2643V variant (also known as c.7927C>G), located in coding exon 15 of the APC gene, results from a C to G substitution at nucleotide position 7927. The leucine at codon 2643 is replaced by valine, an amino acid with highly similar properties. This amino acid position is well conserved in available vertebrate species. In addition, in silico predictors for this gene do not accurately predict pathogenicity. Missense variants in APC are not a common cause of disease (Spier I et al. Genet Med. 2024 Feb;26(2):100992). Based on the available evidence, the clinical significance of this variant remains unclear.

Labcorp Genetics (formerly Invitae), Labcorp
Classification: Uncertain significance for Familial adenomatous polyposis 1. Last evaluated: 2025-03-23. Review status: criteria provided, single submitter. Criteria: Invitae Variant Classification Sherloc (09022015). Collection method: clinical testing. Allele origin: germline.
Comment: This sequence change replaces leucine, which is neutral and non-polar, with valine, which is neutral and non-polar, at codon 2643 of the APC protein (p.Leu2643Val). This variant is not present in population databases (gnomAD no frequency). This variant has not been reported in the literature in individuals affected with APC-related conditions. ClinVar contains an entry for this variant (Variation ID: 2567005). Invitae Evidence Modeling of protein sequence and biophysical properties (such as structural, functional, and spatial information, amino acid conservation, physicochemical variation, residue mobility, and thermodynamic stability) indicates that this missense variant is not expected to disrupt APC protein function with a negative predictive value of 95%. In summary, the available evidence is currently insufficient to determine the role of this variant in disease. Therefore, it has been classified as a Variant of Uncertain Significance.

NM_000038.6(APC):c.7927C>G (p.Leu2643Val)

Gene: APC (APC regulator of Wnt signaling pathway; plus strand). Cytogenetic location: 5q22.2.
Variant type: single nucleotide variant.
Coding change: c.7927C>G on transcript NM_000038.6 (MANE Select); coding-DNA position 7927, C replaced by G.
Protein change: p.Leu2643Val; replaces leucine 2643 with valine.
Molecular consequence: missense variant. On other transcripts: non-coding transcript variant (2).
Genome position (GRCh38, 1-based): chr5:112,843,521, C>G. VCF-style: chr5-112843521-C-G. GRCh37 (hg19) VCF-style: chr5-112179218-C-G.
Other names: c.7927C>G, p.Leu2643Val (NM_001127510.3, NM_001354895.2, NM_001407450.1); c.7873C>G, p.Leu2625Val (NM_001127511.3); c.7981C>G, p.Leu2661Val (NM_001354896.2, NM_001407447.1, NM_001407448.1 and 1 more transcripts); c.7957C>G, p.Leu2653Val (NM_001354897.2); c.7852C>G, p.Leu2618Val (NM_001354898.2); c.7843C>G, p.Leu2615Val (NM_001354899.2); c.7804C>G, p.Leu2602Val (NM_001354900.2); c.7750C>G, p.Leu2584Val (NM_001354901.2, NM_001407453.1); and 11 more; short protein forms L2643V, L2542V, L2560V, L2625V, L2636V, L2360V, L2517V, L2552V.
Identifiers: ClinVar variation 2567005 (VCV002567005.6), dbSNP rs2149996359, ClinGen allele CA16038544.